The following is an entry in ClinVar:

NM_000044.6(AR):c.2702C>T (p.Ser901Phe)

Gene: AR (androgen receptor; plus strand). Cytogenetic location: Xq12.
Variant type: single nucleotide variant.
Coding change: c.2702C>T on transcript NM_000044.6 (MANE Select); coding-DNA position 2702, C replaced by T.
Protein change: p.Ser901Phe; replaces serine 901 with phenylalanine.
Molecular consequence: missense variant.
Genome position (GRCh38, 1-based): chrX:67,723,780, C>T. VCF-style: chrX-67723780-C-T. GRCh37 (hg19) VCF-style: chrX-66943622-C-T.
Other names: c.1106C>T, p.Ser369Phe (NM_001011645.3); c.2705C>T, p.Ser902Phe (NM_001424175.1); short protein forms S369F, S901F, S902F.
Identifiers: ClinVar variation 2954410 (VCV002954410.3), dbSNP rs2147540608, ClinGen allele CA413428372.

ClinVar aggregate classification (germline): Uncertain significance (1 of 4 stars; one submission).

Conditions:
Kennedy disease (SMAX1). Also called: SPINAL AND BULBAR MUSCULAR ATROPHY, X-LINKED 1; KENNEDY SPINAL AND BULBAR MUSCULAR ATROPHY; Spinal and Bulbar Muscular Atrophy. Identifiers: Orphanet 481, MedGen C1839259, MONDO:0010735, OMIM 313200.
Androgen resistance syndrome (AIS). Also called: DHTR DEFICIENCY; DIHYDROTESTOSTERONE RECEPTOR DEFICIENCY; ANDROGEN RECEPTOR DEFICIENCY; TESTICULAR FEMINIZATION SYNDROME; Androgen insensitivity syndrome; Androgen insensitivity. Identifiers: Orphanet 754, Orphanet 99429, MedGen C0039585, MONDO:0019154, OMIM 300068. Disease mechanism: loss of function.

Submission:

Labcorp Genetics (formerly Invitae), Labcorp
Classification: Uncertain significance for Kennedy disease; Androgen resistance syndrome. Last evaluated: 2023-12-03. Review status: criteria provided, single submitter. Criteria: Invitae Variant Classification Sherloc (09022015). Collection method: clinical testing. Allele origin: germline.
Comment: This sequence change replaces serine, which is neutral and polar, with phenylalanine, which is neutral and non-polar, at codon 901 of the AR protein (p.Ser901Phe). This variant is not present in population databases (gnomAD no frequency). This missense change has been observed in individual(s) with AR-related conditions (Invitae). Advanced modeling of protein sequence and biophysical properties (such as structural, functional, and spatial information, amino acid conservation, physicochemical variation, residue mobility, and thermodynamic stability) has been performed at Invitae for this missense variant, however the output from this modeling did not meet the statistical confidence thresholds required to predict the impact of this variant on AR protein function. In summary, the available evidence is currently insufficient to determine the role of this variant in disease. Therefore, it has been classified as a Variant of Uncertain Significance.